The following is an entry in ClinVar:

ClinVar aggregate classification (germline): Uncertain significance. Review status: criteria provided, single submitter (1 of 4 stars). 2 submissions from 2 submitters: Uncertain significance (1). 1 of the submissions does not count toward it. Last evaluated 2021-08-13.

Conditions:
Cardiomyopathy (CMYO). Also called: Cardiomyopathies. Identifiers: Orphanet 167848, MedGen C0878544, MONDO:0004994, HP:0001638. Inheritance: Various modes of inheritance.
Duchenne muscular dystrophy (DMD). Also called: MUSCULAR DYSTROPHY, PSEUDOHYPERTROPHIC PROGRESSIVE, DUCHENNE TYPE; Duchenne Muscular Dystrophy (DMD). Identifiers: Orphanet 98896, MedGen C0013264, MONDO:0010679, OMIM 310200.
Becker muscular dystrophy (BMD). Also called: MUSCULAR DYSTROPHY, PSEUDOHYPERTROPHIC PROGRESSIVE, BECKER TYPE; Becker Muscular Dystrophy (BMD). Identifiers: Orphanet 98895, MedGen C0917713, MONDO:0010311, OMIM 300376.
Dystrophin deficiency.

Allele frequency attached by ClinVar (database versions not stated): gnomAD 0.00001; gnomAD exomes 0.00001; TOPMed 0.00001.
gnomAD v4.1: 12 of 1,209,960 alleles (0.00099%); highest among the groups gnomAD compares: East Asian, 0.03%; no homozygotes.

Submissions (2):

Labcorp Genetics (formerly Invitae), Labcorp
Classification: Uncertain significance for Duchenne muscular dystrophy. Last evaluated: 2021-08-13. Review status: criteria provided, single submitter. Criteria: Invitae Variant Classification Sherloc (09022015). Collection method: clinical testing. Allele origin: germline.
Comment: This sequence change replaces aspartic acid with valine at codon 910 of the DMD protein (p.Asp910Val). The aspartic acid residue is highly conserved and there is a large physicochemical difference between aspartic acid and valine. This variant is not present in population databases (ExAC no frequency). This variant has not been reported in the literature in individuals affected with DMD-related conditions. Algorithms developed to predict the effect of missense changes on protein structure and function (SIFT, PolyPhen-2, Align-GVGD) all suggest that this variant is likely to be disruptive. In summary, the available evidence is currently insufficient to determine the role of this variant in disease. Therefore, it has been classified as a Variant of Uncertain Significance.

Natera, Inc.
Classification: Uncertain significance for Becker muscular dystrophy; Cardiomyopathy; Duchenne muscular dystrophy; Dystrophin deficiency. Last evaluated: 2020-05-14. Review status: no assertion criteria provided. Collection method: clinical testing. Allele origin: germline. Not counted in ClinVar's aggregate classification.

NM_004006.3(DMD):c.2729A>T (p.Asp910Val)

Gene: DMD (dystrophin; minus strand). Cytogenetic location: Xp21.1.
Variant type: single nucleotide variant.
Coding change: c.2729A>T on transcript NM_004006.3 (MANE Select); coding-DNA position 2729, A replaced by T.
Protein change: p.Asp910Val; replaces aspartic acid 910 with valine.
Molecular consequence: missense variant.
Genome position (GRCh38, 1-based): chrX:32,484,993, T>A on the plus strand (A>T on the coding strand, the complement: DMD is on the minus strand). VCF-style: chrX-32484993-T-A. GRCh37 (hg19) VCF-style: chrX-32503110-T-A.
Other names: c.2705A>T, p.Asp902Val (NM_000109.4); c.2717A>T, p.Asp906Val (NM_004009.3); c.2360A>T, p.Asp787Val (NM_004010.3); short protein forms D906V, D787V, D902V, D910V.
Identifiers: ClinVar variation 641285 (VCV000641285.7), dbSNP rs1469818959, ClinGen allele CA412670794.